The following is an entry in ClinVar:

ClinVar aggregate classification (germline): Uncertain significance (1 of 4 stars; one submission).

Conditions:
Familial thoracic aortic aneurysm and aortic dissection (TAAD). Also called: Thoracic aortic aneurysms and dissections. Identifiers: Orphanet 91387, MedGen C4707243, MONDO:0019625.

Submission:

Labcorp Genetics (formerly Invitae), Labcorp
Classification: Uncertain significance for Familial thoracic aortic aneurysm and aortic dissection. Last evaluated: 2024-12-10. Review status: criteria provided, single submitter. Criteria: Invitae Variant Classification Sherloc (09022015). Collection method: clinical testing. Allele origin: germline.
Comment: This sequence change replaces serine, which is neutral and polar, with glycine, which is neutral and non-polar, at codon 416 of the TGFBR2 protein (p.Ser416Gly). This variant is not present in population databases (gnomAD no frequency). This missense change has been observed in individual(s) with clinical features of TGFBR2-related conditions (internal data). ClinVar contains an entry for this variant (Variation ID: 408437). Invitae Evidence Modeling incorporating data from in vitro experimental studies (internal data) indicates that this missense variant is not expected to disrupt TGFBR2 function with a negative predictive value of 95%. This variant disrupts the p.Ser416 amino acid residue in TGFBR2. Other variant(s) that disrupt this residue have been observed in individuals with TGFBR2-related conditions (PMID: 35753512), which suggests that this may be a clinically significant amino acid residue. In summary, the available evidence is currently insufficient to determine the role of this variant in disease. Therefore, it has been classified as a Variant of Uncertain Significance.

Literature cited by the submitters: PubMed 35753512.

NM_003242.6(TGFBR2):c.1246A>G (p.Ser416Gly)

Gene: TGFBR2 (transforming growth factor beta receptor 2; plus strand). Cytogenetic location: 3p24.1.
Variant type: single nucleotide variant.
Coding change: c.1246A>G on transcript NM_003242.6 (MANE Select); coding-DNA position 1246, A replaced by G.
Protein change: p.Ser416Gly; replaces serine 416 with glycine.
Molecular consequence: missense variant.
Genome position (GRCh38, 1-based): chr3:30,672,429, A>G. VCF-style: chr3-30672429-A-G. GRCh37 (hg19) VCF-style: chr3-30713921-A-G.
Other names: c.1321A>G, p.Ser441Gly (NM_001024847.3); c.1429A>G, p.Ser477Gly (NM_001407126.1); c.1354A>G, p.Ser452Gly (NM_001407127.1); c.1273A>G, p.Ser425Gly (NM_001407128.1); c.1249A>G, p.Ser417Gly (NM_001407129.1); c.1246A>G, p.Ser416Gly (NM_001407130.1); c.1141A>G, p.Ser381Gly (NM_001407132.1, NM_001407133.1, NM_001407134.1 and 2 more transcripts); c.961A>G, p.Ser321Gly (NM_001407137.1); and 1 more; short protein forms S416G, S441G, S321G, S425G, S452G, S296G, S477G, S381G.
Identifiers: ClinVar variation 408437 (VCV000408437.6), dbSNP rs1060501983, ClinGen allele CA16611396.